The following is an entry in ClinVar:

ClinVar aggregate classification (germline): Uncertain significance (1 of 4 stars; one submission).

Submission:

GeneDx
Classification: Uncertain significance. Last evaluated: 2026-03-25. Review status: criteria provided, single submitter. Criteria: GeneDx Variant Classification Process June 2021. Collection method: clinical testing. Allele origin: germline.
Comment: Not observed at significant frequency in large population cohorts (gnomAD); In silico analysis supports that this missense variant has a deleterious effect on protein structure/function; Has not been previously published as pathogenic or benign to our knowledge

NM_001195605.2(ZNF865):c.1148G>A (p.Cys383Tyr)

Gene: ZNF865 (zinc finger protein 865; plus strand). Cytogenetic location: 19q13.42.
Variant type: single nucleotide variant.
Coding change: c.1148G>A on transcript NM_001195605.2 (MANE Select); coding-DNA position 1148, G replaced by A.
Protein change: p.Cys383Tyr; replaces cysteine 383 with tyrosine.
Molecular consequence: missense variant.
Genome position (GRCh38, 1-based): chr19:55,614,766, G>A. VCF-style: chr19-55614766-G-A. GRCh37 (hg19) VCF-style: chr19-56126132-G-A.
Other names: short protein forms C383Y.
Identifiers: ClinVar variation 5017486 (VCV005017486.1).